The following is an entry in ClinVar:

NM_004517.4(ILK):c.515C>A (p.Thr172Asn)

Genes: ILK (integrin linked kinase; plus strand), TAF10 (TATA-box binding protein associated factor 10; minus strand). Cytogenetic location: 11p15.4.
Variant type: single nucleotide variant.
Coding change: c.515C>A on transcript NM_004517.4 (MANE Select); coding-DNA position 515, C replaced by A.
Protein change: p.Thr172Asn; replaces threonine 172 with asparagine.
Molecular consequence: missense variant. On other transcripts: 3 prime UTR variant (1).
Genome position (GRCh38, 1-based): chr11:6,608,950, C>A. VCF-style: chr11-6608950-C-A. GRCh37 (hg19) VCF-style: chr11-6630181-C-A.
Other names: c.515C>A, p.Thr172Asn (NM_001014794.3, NM_001014795.3); c.418C>A, p.Pro140Thr (NM_001278441.2); c.113C>A, p.Thr38Asn (NM_001278442.2); c.*1972G>T (NM_006284.4); short protein forms P140T, T38N, T172N.
Identifiers: ClinVar variation 1745708 (VCV001745708.2), dbSNP rs756271344, ClinGen allele CA5858075.
Genomic context (GRCh38, chr11:6,608,950, plus strand): 5'-CAGAGAAGATGGGCCAGAATCTCAACCGTATTCCATACAAGGACACATTCTGGAAGGGGA[C>A]CACCCGCACTCGGCCCCGTGAGTCACCACTGTGGGAAGAAGGGTTGTAAAAGGAAATAAT-3'
Protein context (NP_004508.1, residues 162-182): IPYKDTFWKG[Thr172Asn]TRTRPRNGTL

ClinVar aggregate classification (germline): Uncertain significance (1 of 4 stars; one submission).

Allele frequency attached by ClinVar (database versions not stated): gnomAD 0.00001.
gnomAD v4.1: 2 of 1,614,066 alleles (0.00012%); highest among the groups gnomAD compares: Non-Finnish European, 0.000085%; no homozygotes.

Submission:

Ambry Genetics
Classification: Uncertain significance. Last evaluated: 2021-07-12. Review status: criteria provided, single submitter. Criteria: Ambry Variant Classification Scheme 2023. Collection method: clinical testing. Allele origin: germline.
Comment: The p.T172N variant (also known as c.515C>A), located in coding exon 5 of the ILK gene, results from a C to A substitution at nucleotide position 515. The threonine at codon 172 is replaced by asparagine, an amino acid with similar properties. This amino acid position is conserved. In addition, the in silico prediction for this alteration is inconclusive. Since supporting evidence is limited at this time, the clinical significance of this alteration remains unclear.